The following is an entry in ClinVar:

ClinVar aggregate classification (germline): Uncertain significance (1 of 4 stars; one submission).

Conditions:
RASopathy. Also called: Noonan spectrum disorder; rasopathies. Identifiers: Orphanet 536391, MedGen C5555857, MONDO:0021060.

gnomAD v4.1: 3 of 1,614,016 alleles (0.00019%); highest among the groups gnomAD compares: Non-Finnish European, 0.00025%; no homozygotes.

Submission:

Labcorp Genetics (formerly Invitae), Labcorp
Classification: Uncertain significance for RASopathy. Last evaluated: 2025-07-30. Review status: criteria provided, single submitter. Criteria: Invitae Variant Classification Sherloc (09022015). Collection method: clinical testing. Allele origin: germline.
Comment: This sequence change replaces alanine, which is neutral and non-polar, with threonine, which is neutral and polar, at codon 115 of the BRAF protein (p.Ala115Thr). This variant is not present in population databases (gnomAD no frequency). This variant has not been reported in the literature in individuals affected with BRAF-related conditions. Invitae Evidence Modeling of protein sequence and biophysical properties (such as structural, functional, and spatial information, amino acid conservation, physicochemical variation, residue mobility, and thermodynamic stability) indicates that this missense variant is not expected to disrupt BRAF protein function with a negative predictive value of 95%. In summary, the available evidence is currently insufficient to determine the role of this variant in disease. Therefore, it has been classified as a Variant of Uncertain Significance.

NM_004333.6(BRAF):c.343G>A (p.Ala115Thr)

Gene: BRAF (B-Raf proto-oncogene, serine/threonine kinase; minus strand). Cytogenetic location: 7q34.
Variant type: single nucleotide variant.
Coding change: c.343G>A on transcript NM_004333.6 (MANE Select); coding-DNA position 343, G replaced by A.
Protein change: p.Ala115Thr; replaces alanine 115 with threonine.
Molecular consequence: missense variant. On other transcripts: intron variant (1).
Genome position (GRCh38, 1-based): chr7:140,834,770, C>T on the plus strand (G>A on the coding strand, the complement: BRAF is on the minus strand). VCF-style: chr7-140834770-C-T. GRCh37 (hg19) VCF-style: chr7-140534570-C-T.
Other names: c.343G>A, p.Ala115Thr (NM_001354609.2, NM_001374244.1, NM_001374258.1 and 5 more transcripts); c.241G>A, p.Ala81Thr (NM_001378470.1); c.187G>A, p.Ala63Thr (NM_001378472.1, NM_001378473.1); c.240+15341G>A (NM_001378475.1); short protein forms A63T, A81T, A115T.
Identifiers: ClinVar variation 4748449 (VCV004748449.1).